The following is an entry in ClinVar:

NM_001366722.1(GRIP1):c.92A>G (p.Lys31Arg)

Gene: GRIP1 (glutamate receptor interacting protein 1; minus strand). Cytogenetic location: 12q14.3.
Variant type: single nucleotide variant.
Coding change: c.92A>G on transcript NM_001366722.1 (MANE Select); coding-DNA position 92, A replaced by G.
Protein change: p.Lys31Arg; replaces lysine 31 with arginine.
Molecular consequence: missense variant.
Genome position (GRCh38, 1-based): chr12:66,596,891, T>C on the plus strand (A>G on the coding strand, the complement: GRIP1 is on the minus strand). VCF-style: chr12-66596891-T-C. GRCh37 (hg19) VCF-style: chr12-66990671-T-C.
Other names: c.92A>G, p.Lys31Arg (NM_001178074.2, NM_021150.4); c.170A>G, p.Lys57Arg (NM_001366723.1, NM_001366724.1); short protein forms K31R, K57R.
Identifiers: ClinVar variation 881294 (VCV000881294.7), dbSNP rs200713915, ClinGen allele CA6674750.
Genomic context (GRCh38, chr12:66,596,891, plus strand): 5'-AACAGTCTGGTCTAACCTGGGATGCTCTGTCTCCTCACAGCCAACGCTCCATCAGGCGGC[T>C]TTGTCTGGCTGGCGGATTTAGTGTAGGGACTCTCATCTGCAAAGGTACAATGAAGCGTTT-3'
Protein context (NP_001353651.1, residues 21-41): SPYTKSASQT[Lys31Arg]PPDGALAVRR

ClinVar aggregate classification (germline): Uncertain significance. Review status: criteria provided, multiple submitters, no conflicts (2 of 4 stars). 4 submissions from 4 submitters: Uncertain significance (4). Last evaluated 2024-08-28.

Conditions:
Fraser syndrome 3. Identifiers: MedGen C4540040, MONDO:0054739, OMIM 617667.
Inborn genetic diseases. Identifiers: MedGen C0950123, MeSH D030342.

Allele frequency attached by ClinVar (database versions not stated): ExAC 0.00006; ESP Exome Variant Server 0.00008; gnomAD exomes 0.00009 and 0.00021; gnomAD 0.00011 and 0.00012; TOPMed 0.00011.
gnomAD v4.1: 329 of 1,613,622 alleles (0.02%); highest among the groups gnomAD compares: Non-Finnish European, 0.026%; no homozygotes.

Submissions (4):

Labcorp Genetics (formerly Invitae), Labcorp
Classification: Uncertain significance. Last evaluated: 2024-08-28. Review status: criteria provided, single submitter. Criteria: Invitae Variant Classification Sherloc (09022015). Collection method: clinical testing. Allele origin: germline.
Comment: This sequence change replaces lysine, which is basic and polar, with arginine, which is basic and polar, at codon 31 of the GRIP1 protein (p.Lys31Arg). This variant is present in population databases (rs200713915, gnomAD 0.02%). This variant has not been reported in the literature in individuals affected with GRIP1-related conditions. ClinVar contains an entry for this variant (Variation ID: 881294). An algorithm developed to predict the effect of missense changes on protein structure and function (PolyPhen-2) suggests that this variant¬†is likely to be tolerated. In summary, the available evidence is currently insufficient to determine the role of this variant in disease. Therefore, it has been classified as a Variant of Uncertain Significance.

Fulgent Genetics
Classification: Uncertain significance for Fraser syndrome 3. Last evaluated: 2024-05-11. Review status: criteria provided, single submitter. Criteria: ACMG Guidelines, 2015. Collection method: clinical testing. Allele origin: germline.

Ambry Genetics
Classification: Uncertain significance for Inborn genetic diseases. Last evaluated: 2024-02-28. Review status: criteria provided, single submitter. Criteria: Ambry Variant Classification Scheme 2023. Collection method: clinical testing. Allele origin: germline.

Illumina Laboratory Services, Illumina
Classification: Uncertain significance for Fraser syndrome 3. Last evaluated: 2017-04-27. Review status: criteria provided, single submitter. Criteria: ICSL Variant Classification Criteria 13 December 2019. Collection method: clinical testing. Allele origin: germline.